The following is an entry in ClinVar:

NM_001385012.1(NBEA):c.526+3A>G

Gene: NBEA (neurobeachin; plus strand). Cytogenetic location: 13q13.3.
Variant type: single nucleotide variant.
Coding change: c.526+3A>G on transcript NM_001385012.1 (MANE Select); 3 bases into the intron after coding-DNA position 526, A replaced by G.
Molecular consequence: intron variant.
Genome position (GRCh38, 1-based): chr13:35,041,167, A>G. VCF-style: chr13-35041167-A-G. GRCh37 (hg19) VCF-style: chr13-35615304-A-G.
Other names: c.526+3A>G (NM_015678.5, NM_001379245.1).
Identifiers: ClinVar variation 2308991 (VCV002308991.2), dbSNP rs2502187066, ClinGen allele CA2580087406.
Genomic context (GRCh38, chr13:35,041,167, plus strand): 5'-GTTGGGCTAATTGAACAAGTATTGCTGAAAATGAGTGCTGTAGATGACATGATAGCAGGT[A>G]TGGGGTTGTCTGACAGGAAAGTATAACTTAAATGTTTATAAAGTTTCACATACTTCTCTT-3'

ClinVar aggregate classification (germline): Likely pathogenic (1 of 4 stars; one submission).

Conditions:
Inborn genetic diseases. Identifiers: MedGen C0950123, MeSH D030342.

Submission:

Ambry Genetics
Classification: Likely pathogenic for Inborn genetic diseases. Last evaluated: 2022-09-29. Review status: criteria provided, single submitter. Criteria: Ambry Variant Classification Scheme 2023. Collection method: clinical testing. Allele origin: germline.
Comment: The c.526+3A>G intronic alteration results from an A to G substitution 3 nucleotides after exon 2 (coding exon 2) of the NBEA gene. This variant was not reported in population-based cohorts in the Genome Aggregation Database (gnomAD). This nucleotide position is well conserved in available vertebrate species. In silico splice site analysis predicts that this alteration will weaken the native splice donor site. Based on the available evidence, this alteration is classified as likely pathogenic.